The following is an entry in ClinVar:

ClinVar aggregate classification (germline): Uncertain significance (1 of 4 stars; one submission).

Allele frequency attached by ClinVar (database versions not stated): gnomAD 0.00001; TOPMed 0.00001; gnomAD exomes 0.00002.
gnomAD v4.1: 21 of 1,304,112 alleles (0.0016%); highest among the groups gnomAD compares: Non-Finnish European, 0.002%; no homozygotes.

Submission:

Labcorp Genetics (formerly Invitae), Labcorp
Classification: Uncertain significance. Last evaluated: 2024-04-05. Review status: criteria provided, single submitter. Criteria: Invitae Variant Classification Sherloc (09022015). Collection method: clinical testing. Allele origin: germline.
Comment: This sequence change replaces serine, which is neutral and polar, with asparagine, which is neutral and polar, at codon 769 of the ERCC6L2 protein (p.Ser769Asn). This variant is present in population databases (no rsID available, gnomAD 0.007%). This variant has not been reported in the literature in individuals affected with ERCC6L2-related conditions. ClinVar contains an entry for this variant (Variation ID: 1487467). Experimental studies and prediction algorithms are not available or were not evaluated, and the functional significance of this variant is currently unknown. In summary, the available evidence is currently insufficient to determine the role of this variant in disease. Therefore, it has been classified as a Variant of Uncertain Significance.

NM_020207.7(ERCC6L2):c.2273G>A (p.Ser758Asn)

Gene: ERCC6L2 (ERCC excision repair 6 like 2; plus strand). Cytogenetic location: 9q22.32.
Variant type: single nucleotide variant.
Coding change: c.2273G>A on transcript NM_020207.7 (MANE Select); coding-DNA position 2273, G replaced by A.
Protein change: p.Ser758Asn; replaces serine 758 with asparagine.
Molecular consequence: missense variant. On other transcripts: non-coding transcript variant (1).
Genome position (GRCh38, 1-based): chr9:95,972,024, G>A. VCF-style: chr9-95972024-G-A. GRCh37 (hg19) VCF-style: chr9-98734306-G-A.
Other names: c.2273G>A, p.Ser758Asn (NM_001375291.1, NM_001375292.1, NM_001375293.1 and 1 more transcripts); short protein forms S758N.
Identifiers: ClinVar variation 1487467 (VCV001487467.6), dbSNP rs1283130908, ClinGen allele CA589285279.